The following is an entry in ClinVar:

NM_020232.5(PSMG2):c.288+302_288+303insTCTACATTGCCTTCAAGAAAGCTGGTGGCTCTACAGTTAAGATCCATTTTTATTAAGGTTAGTATGTTGTAGTTTGCCTTTTTGTTTATTAAAGTGTAATGAGAAAATAAGTAACATTAGGGATTAAGATTCAAAAATTACTACTGTTTTTACCATATGTACAGTTAAGATCTGATTCTACAGAGAAATAATCTTACAATATTTCAGATGTGTTACTGTCTTTTCATGATTATATAGAAAGGAAGCAGGGCTTTTATCTTGAGTGTTAACATATTTTCAGTTCGGGTAGCATTGGTGAAAAAATGTAAGCATATTAATATTAGAGGTTTATTCCATTTGTATTACCTTTCAGCTGGTGG

Gene: PSMG2 (proteasome assembly chaperone 2; plus strand). Cytogenetic location: 18p11.21.
Variant type: Insertion.
Coding change: c.288+302_288+303insTCTACATTGCCTTCAAGAAAGCTGGTGGCTCTACAGTTAAGATCCATTTTTATTAAGGTTAGTATGTTGTAGTTTGCCTTTTTGTTTATTAAAGTGTAATGAGAAAATAAGTAACATTAGGGATTAAGATTCAAAAATTACTACTGTTTTTACCATATGTACAGTTAAGATCTGATTCTACAGAGAAATAATCTTACAATATTTCAGATGTGTTACTGTCTTTTCATGATTATATAGAAAGGAAGCAGGGCTTTTATCTTGAGTGTTAACATATTTTCAGTTCGGGTAGCATTGGTGAAAAAATGTAAGCATATTAATATTAGAGGTTTATTCCATTTGTATTACCTTTCAGCTGGTGG on transcript NM_020232.5 (MANE Select); bases 302 to 303 of the intron after coding-DNA position 288, TCTACATTGCCTTCAAGAAAGCTGGTGGCTCTACAGTTAAGATCCATTTTTATTAAGGTTAGTATGTTGTAGTTTGCCTTTTTGTTTATTAAAGTGTAATGAGAAAATAAGTAACATTAGGGATTAAGATTCAAAAATTACTACTGTTTTTACCATATGTACAGTTAAGATCTGATTCTACAGAGAAATAATCTTACAATATTTCAGATGTGTTACTGTCTTTTCATGATTATATAGAAAGGAAGCAGGGCTTTTATCTTGAGTGTTAACATATTTTCAGTTCGGGTAGCATTGGTGAAAAAATGTAAGCATATTAATATTAGAGGTTTATTCCATTTGTATTACCTTTCAGCTGGTGG inserted.
Molecular consequence: splice donor variant.
Genome position: GRCh38: chr18:12,713,062-12,713,063. GRCh37 (hg19): chr18:12,713,061-12,713,062.
Other names: c.195+302_195+303insTCTACATTGCCTTCAAGAAAGCTGGTGGCTCTACAGTTAAGATCCATTTTTATTAAGGTTAGTATGTTGTAGTTTGCCTTTTTGTTTATTAAAGTGTAATGAGAAAATAAGTAACATTAGGGATTAAGATTCAAAAATTACTACTGTTTTTACCATATGTACAGTTAAGATCTGATTCTACAGAGAAATAATCTTACAATATTTCAGATGTGTTACTGTCTTTTCATGATTATATAGAAAGGAAGCAGGGCTTTTATCTTGAGTGTTAACATATTTTCAGTTCGGGTAGCATTGGTGAAAAAATGTAAGCATATTAATATTAGAGGTTTATTCCATTTGTATTACCTTTCAGCTGGTGG (NM_147163.2).
Identifiers: ClinVar variation 4718330 (VCV004718330.1).

ClinVar aggregate classification (germline): Uncertain significance (1 of 4 stars; one submission).

Submission:

Labcorp Genetics (formerly Invitae), Labcorp
Classification: Uncertain significance. Last evaluated: 2025-04-25. Review status: criteria provided, single submitter. Criteria: Invitae Variant Classification Sherloc (09022015). Collection method: clinical testing. Allele origin: germline.
Comment: This sequence change falls in intron 3 of the PSMG2 gene. It does not directly change the encoded amino acid sequence of the PSMG2 protein. This variant is not present in population databases (gnomAD no frequency). This variant has not been reported in the literature in individuals affected with PSMG2-related conditions. Experimental studies and prediction algorithms are not available or were not evaluated, and the effect of this variant on mRNA splicing is currently unknown. In summary, the available evidence is currently insufficient to determine the role of this variant in disease. Therefore, it has been classified as a Variant of Uncertain Significance.